The following is an entry in ClinVar:

NC_000002.11:g.(?_86088284)_(86090628_?)del

Gene: ST3GAL5 (ST3 beta-galactoside alpha-2,3-sialyltransferase 5; minus strand). Cytogenetic location: 2p11.2.
Variant type: Deletion.
Identifiers: ClinVar variation 3247236 (VCV003247236.1).

ClinVar aggregate classification (germline): Pathogenic (1 of 4 stars; one submission).

Conditions:
GM3 synthase deficiency (SPDRS). Also called: AMISH INFANTILE EPILEPSY SYNDROME; SALT AND PEPPER MENTAL RETARDATION SYNDROME; SALT AND PEPPER DEVELOPMENTAL REGRESSION SYNDROME. Identifiers: Orphanet 171714, Orphanet 370933, MedGen C1836824, MONDO:0018274, OMIM 609056.

Submission:

Labcorp Genetics (formerly Invitae), Labcorp
Classification: Pathogenic for GM3 synthase deficiency. Last evaluated: 2023-01-31. Review status: criteria provided, single submitter. Criteria: Invitae Variant Classification Sherloc (09022015). Collection method: clinical testing. Allele origin: unknown.
Comment: This variant is a gross deletion of the genomic region encompassing exon(s) 2-3 of the ST3GAL5 gene. This deletion is out-of-frame, and is expected to create a premature termination codon and result in an absent or disrupted protein product. Loss-of-function variants in ST3GAL5 are known to be pathogenic (PMID: 15502825, 22990144, 27232954). This variant has not been reported in the literature in individuals affected with ST3GAL5-related conditions. For these reasons, this variant has been classified as Pathogenic.

Literature cited by the submitters: PubMed 15502825; PubMed 22990144; PubMed 27232954.